The following is an entry in ClinVar:

ClinVar aggregate classification (germline): Uncertain significance (1 of 4 stars; one submission).

Conditions:
FOCAD-related disorder. Also called: FOCAD-related condition.

Allele frequency attached by ClinVar (database versions not stated): gnomAD 0.00001; TOPMed 0.00001; ExAC 0.00002; gnomAD exomes 0.00003; ESP Exome Variant Server 0.00008.
gnomAD v4.1: 48 of 1,607,482 alleles (0.003%); highest among the groups gnomAD compares: Non-Finnish European, 0.004%; no homozygotes.

Submission:

PreventionGenetics, part of Exact Sciences
Classification: Uncertain significance for FOCAD-related condition. Last evaluated: 2023-08-09. Review status: criteria provided, single submitter. Criteria: ACMG Guidelines, 2015. Collection method: clinical testing. Allele origin: germline.
Comment: The FOCAD c.4898C>T variant is predicted to result in the amino acid substitution p.Ala1633Val. To our knowledge, this variant has not been reported in the literature. This variant is reported in 0.0040% of alleles in individuals of European (Non-Finnish) descent in gnomAD and is not reported in the ClinVar database. At this time, the clinical significance of this variant is uncertain due to the absence of conclusive functional and genetic evidence.

NM_001375567.1(FOCAD):c.4898C>T (p.Ala1633Val)

Gene: FOCAD (focadhesin; plus strand). Cytogenetic location: 9p21.3.
Variant type: single nucleotide variant.
Coding change: c.4898C>T on transcript NM_001375567.1 (MANE Select); coding-DNA position 4898, C replaced by T.
Protein change: p.Ala1633Val; replaces alanine 1633 with valine.
Molecular consequence: missense variant.
Genome position (GRCh38, 1-based): chr9:20,986,457, C>T. VCF-style: chr9-20986457-C-T. GRCh37 (hg19) VCF-style: chr9-20986456-C-T.
Other names: c.4793C>T, p.Ala1598Val (NM_001375568.1, NM_001375570.1); c.4898C>T, p.Ala1633Val (NM_017794.5); short protein forms A1598V, A1633V.
Identifiers: ClinVar variation 2629288 (VCV002629288.1), dbSNP rs371212672, ClinGen allele CA5008091.
Genomic context (GRCh38, chr9:20,986,457, plus strand): 5'-AAGAGGTGTTGGCCTGGATGATTCTGCACAGCTTATACCAGGCACGGATTGTGAGCCATG[C>T]CAATACGGGTGAGGACACCCTGGGGTGAACATCAGAAACAGGAATAGATCTGCCTGCTGT-3'
Protein context (NP_001362496.1, residues 1623-1643): SLYQARIVSH[Ala1633Val]NTGVLKRMEW